The following is an entry in ClinVar:

NM_023110.3(FGFR1):c.389A>T (p.Asp130Val)

Gene: FGFR1 (fibroblast growth factor receptor 1; minus strand). Cytogenetic location: 8p11.23.
Variant type: single nucleotide variant.
Coding change: c.389A>T on transcript NM_023110.3 (MANE Select); coding-DNA position 389, A replaced by T.
Protein change: p.Asp130Val; replaces aspartic acid 130 with valine.
Molecular consequence: missense variant.
Genome position (GRCh38, 1-based): chr8:38,428,405, T>A on the plus strand (A>T on the coding strand, the complement: FGFR1 is on the minus strand). VCF-style: chr8-38428405-T-A. GRCh37 (hg19) VCF-style: chr8-38285923-T-A.
Other names: c.389A>T, p.Asp130Val (NM_001174063.2, NM_001174065.2, NM_001354367.2 and 2 more transcripts); c.365A>T, p.Asp122Val (NM_001174064.2); c.122A>T, p.Asp41Val (NM_001174066.2, NM_001354368.2, NM_001354370.2 and 2 more transcripts); c.488A>T, p.Asp163Val (NM_001174067.2); short protein forms D41V, D163V, D122V, D130V.
Identifiers: ClinVar variation 1046858 (VCV001046858.5), dbSNP rs1161536828, ClinGen allele CA370736026.
Genomic context (GRCh38, chr8:38,428,405, plus strand): 5'-CGCATACGGTTTGGTTTGGTGTTATCTGTTTCTTTCTCCTCTGAAGAGGAGTCATCATCA[T>A]CATCATCATCCTCCGAGGAGGGGAGAGCATCTATGGGAAGAAGAAGGGGCACTGAGGTTC-3'
Protein context (NP_075598.2, residues 120-140): DALPSSEDDD[Asp130Val]DDDSSSEEKE

ClinVar aggregate classification (germline): Uncertain significance (1 of 4 stars; one submission).

Conditions:
Hypogonadotropic hypogonadism 2 with or without anosmia (HH2). Also called: HYPOGONADOTROPIC HYPOGONADISM 2 WITH OR WITHOUT ANOSMIA, SUSCEPTIBILITY TO; HYPOGONADOTROPIC HYPOGONADISM 2 WITHOUT ANOSMIA, SUSCEPTIBILITY TO; HYPOGONADOTROPIC HYPOGONADISM 2 WITHOUT ANOSMIA; FGFR1-Related GnRH Deficiency (Kallmann Syndrome 2). Identifiers: Orphanet 478, MedGen C1563720, MONDO:0007844, OMIM 147950. Disease mechanism: loss of function.
Pfeiffer syndrome (ACS5). Also called: ACS V. Identifiers: Orphanet 710, MedGen C0220658, MONDO:0007043, OMIM 101600.

Allele frequency attached by ClinVar (database versions not stated): gnomAD exomes below 0.00001; TOPMed below 0.00001.
gnomAD v4.1: 4 of 1,613,932 alleles (0.00025%); highest among the groups gnomAD compares: Admixed American, 0.005%; no homozygotes.

Submission:

Labcorp Genetics (formerly Invitae), Labcorp
Classification: Uncertain significance for Pfeiffer syndrome; Hypogonadotropic hypogonadism 2 with or without anosmia. Last evaluated: 2018-04-24. Review status: criteria provided, single submitter. Criteria: Invitae Variant Classification Sherloc (09022015). Collection method: clinical testing. Allele origin: germline.
Comment: In summary, the available evidence is currently insufficient to determine the role of this variant in disease. Therefore, it has been classified as a Variant of Uncertain Significance. Algorithms developed to predict the effect of missense changes on protein structure and function do not agree on the potential impact of this missense change (SIFT: "Deleterious"; PolyPhen-2: "Possibly Damaging"; Align-GVGD: "Class C0"). This variant has not been reported in the literature in individuals with FGFR1-related disease. This variant is not present in population databases (ExAC no frequency). This sequence change replaces aspartic acid with valine at codon 130 of the FGFR1 protein (p.Asp130Val). The aspartic acid residue is highly conserved and there is a large physicochemical difference between aspartic acid and valine.